The following is an entry in ClinVar:

NM_006466.4(POLR3F):c.157del (p.Ala53fs)

Gene: POLR3F (RNA polymerase III subunit F; plus strand). Cytogenetic location: 20p11.23.
Variant type: Deletion.
Coding change: c.157del on transcript NM_006466.4 (MANE Select); coding-DNA position 157, one base deleted (G; older notation c.157delG).
Protein change: p.Ala53fs; shifts the reading frame from alanine 53.
Molecular consequence: frameshift variant. On other transcripts: non-coding transcript variant (1).
Genome position (GRCh38, 1-based): chr20:18,469,038, G deleted. VCF-style (leftmost placement, unchanged base first): chr20-18469037-AG-A. GRCh37 (hg19) VCF-style: chr20-18449681-AG-A.
Other names: c.34del, p.Ala12fs (NM_001282526.2); c.157del, p.Ala53fs (NM_001410821.1); short protein forms A12fs, A53fs.
Identifiers: ClinVar variation 4730064 (VCV004730064.1).

ClinVar aggregate classification (germline): Uncertain significance (1 of 4 stars; one submission).

Submission:

Labcorp Genetics (formerly Invitae), Labcorp
Classification: Uncertain significance. Last evaluated: 2025-10-27. Review status: criteria provided, single submitter. Criteria: Invitae Variant Classification Sherloc (09022015). Collection method: clinical testing. Allele origin: germline.
Comment: This sequence change creates a premature translational stop signal (p.Ala12Profs*14) in the POLR3F gene. It is expected to result in an absent or disrupted protein product. However, the current clinical and genetic evidence is not sufficient to establish whether loss-of-function variants in POLR3F cause disease. This variant is not present in population databases (gnomAD no frequency). This variant has not been reported in the literature in individuals affected with POLR3F-related conditions. In summary, the available evidence is currently insufficient to determine the role of this variant in disease. Therefore, it has been classified as a Variant of Uncertain Significance.